The following is an entry in ClinVar:

ClinVar aggregate classification (germline): Conflicting classifications of pathogenicity. Review status: criteria provided, conflicting classifications (1 of 4 stars). 2 submissions from 2 submitters: Uncertain significance (1); Likely benign (1). Last evaluated 2023-08-24.

Conditions:
Hereditary cancer-predisposing syndrome. Also called: Neoplastic Syndromes, Hereditary; Hereditary Cancer Syndrome; Tumor predisposition; Hereditary neoplastic syndrome. Identifiers: Orphanet 140162, MedGen C0027672, MeSH D009386, MONDO:0015356.
Hereditary breast ovarian cancer syndrome. Also called: Hereditary breast and ovarian cancer syndrome (HBOC); Breast and ovarian cancer; BRCA1- and BRCA2-Associated Hereditary Breast and Ovarian Cancer; Hereditary breast and ovarian cancer syndrome; Hereditary breast and ovarian cancer; Hereditary breast and/or ovarian cancer syndrome. Identifiers: Orphanet 145, MedGen C0677776, MeSH D061325, MONDO:0003582. Disease mechanism: loss of function.

Submissions (2):

Labcorp Genetics (formerly Invitae), Labcorp
Classification: Uncertain significance for Hereditary breast ovarian cancer syndrome. Last evaluated: 2023-08-24. Review status: criteria provided, single submitter. Criteria: Invitae Variant Classification Sherloc (09022015). Collection method: clinical testing. Allele origin: germline.
Comment: In summary, the available evidence is currently insufficient to determine the role of this variant in disease. Therefore, it has been classified as a Variant of Uncertain Significance. Advanced modeling of protein sequence and biophysical properties (such as structural, functional, and spatial information, amino acid conservation, physicochemical variation, residue mobility, and thermodynamic stability) performed at Invitae indicates that this missense variant is not expected to disrupt BRCA2 protein function. ClinVar contains an entry for this variant (Variation ID: 1906932). This variant has not been reported in the literature in individuals affected with BRCA2-related conditions. This variant is not present in population databases (gnomAD no frequency). This sequence change replaces isoleucine, which is neutral and non-polar, with threonine, which is neutral and polar, at codon 1705 of the BRCA2 protein (p.Ile1705Thr).

University of Washington Department of Laboratory Medicine, University of Washington
Classification: Likely benign for Hereditary cancer-predisposing syndrome. Last evaluated: 2023-03-23. Review status: criteria provided, single submitter. Criteria: Dines et al. (Genet Med. 2020). Collection method: curation. Allele origin: germline.
Comment: Missense variant in a coldspot region where missense variants are very unlikely to be pathogenic (PMID:31911673).

BRCA2 exon 11 coldspot. Reclassification based on statistical prior probability.

NM_000059.4(BRCA2):c.5114T>C (p.Ile1705Thr)

Gene: BRCA2 (BRCA2 DNA repair associated; plus strand). Cytogenetic location: 13q13.1.
Variant type: single nucleotide variant.
Coding change: c.5114T>C on transcript NM_000059.4 (MANE Select); coding-DNA position 5114, T replaced by C.
Protein change: p.Ile1705Thr; replaces isoleucine 1705 with threonine.
Molecular consequence: missense variant.
Genome position (GRCh38, 1-based): chr13:32,339,469, T>C. VCF-style: chr13-32339469-T-C. GRCh37 (hg19) VCF-style: chr13-32913606-T-C.
Other names: c.5114T>C, p.Ile1705Thr (NM_001406719.1, NM_001406720.1); short protein forms I1705T.
Identifiers: ClinVar variation 1906932 (VCV001906932.7), dbSNP rs2137514090, ClinGen allele CA387784145.